The following is an entry in ClinVar:

ClinVar aggregate classification (germline): Uncertain significance. Review status: criteria provided, multiple submitters, no conflicts (2 of 4 stars). 2 submissions from 2 submitters: Uncertain significance (2). Last evaluated 2025-08-07.

Allele frequency attached by ClinVar (database versions not stated): gnomAD exomes 0.00003 and 0.00005; ExAC 0.00008; ESP Exome Variant Server 0.00015; 1000 Genomes Project 30x 0.00016; 1000 Genomes Project 0.00020; gnomAD 0.00030 and 0.00031; TOPMed 0.00033.
gnomAD v4.1: 94 of 1,608,916 alleles (0.0058%); highest among the groups gnomAD compares: African/African-American, 0.1%; no homozygotes.

Submissions (2):

GeneDx
Classification: Uncertain significance. Last evaluated: 2025-08-07. Review status: criteria provided, single submitter. Criteria: GeneDx Variant Classification Process June 2021. Collection method: clinical testing. Allele origin: germline. Affected: yes.
Comment: In silico analysis supports that this missense variant has a deleterious effect on protein structure/function; Has not been previously published as pathogenic or benign to our knowledge

Labcorp Genetics (formerly Invitae), Labcorp
Classification: Uncertain significance. Last evaluated: 2025-01-22. Review status: criteria provided, single submitter. Criteria: Invitae Variant Classification Sherloc (09022015). Collection method: clinical testing. Allele origin: germline.
Comment: This sequence change replaces arginine, which is basic and polar, with histidine, which is basic and polar, at codon 20 of the ARPC1B protein (p.Arg20His). The frequency data for this variant in the population databases is considered unreliable, as metrics indicate poor data quality at this position in the gnomAD database. This variant has not been reported in the literature in individuals affected with ARPC1B-related conditions. ClinVar contains an entry for this variant (Variation ID: 1515116). Invitae Evidence Modeling of protein sequence and biophysical properties (such as structural, functional, and spatial information, amino acid conservation, physicochemical variation, residue mobility, and thermodynamic stability) indicates that this missense variant is not expected to disrupt ARPC1B protein function with a negative predictive value of 80%. In summary, the available evidence is currently insufficient to determine the role of this variant in disease. Therefore, it has been classified as a Variant of Uncertain Significance.

NM_005720.4(ARPC1B):c.59G>A (p.Arg20His)

Gene: ARPC1B (actin related protein 2/3 complex subunit 1B; plus strand). Cytogenetic location: 7q22.1.
Variant type: single nucleotide variant.
Coding change: c.59G>A on transcript NM_005720.4 (MANE Select); coding-DNA position 59, G replaced by A.
Protein change: p.Arg20His; replaces arginine 20 with histidine.
Molecular consequence: missense variant.
Genome position (GRCh38, 1-based): chr7:99,385,773, G>A. VCF-style: chr7-99385773-G-A. GRCh37 (hg19) VCF-style: chr7-98983396-G-A.
Other names: c.59G>A (NM_005720.3); short protein forms R20H.
Identifiers: ClinVar variation 1515116 (VCV001515116.5), dbSNP rs141634815, ClinGen allele CA4363861.
Genomic context (GRCh38, chr7:99,385,773, plus strand): 5'-CCATGGCCTACCACAGCTTCCTGGTGGAGCCCATCAGCTGCCACGCCTGGAACAAGGACC[G>A]CACCCGTGAGTGCTTGCTGGGGGCCGGTGGGTGGCTGCTTCCACCTCCTGGGATGGGGAC-3'
Protein context (NP_005711.1, residues 10-30): PISCHAWNKD[Arg20His]TQIAICPNNH